The following is an entry in ClinVar:

ClinVar aggregate classification (germline): Uncertain significance. Review status: criteria provided, multiple submitters, no conflicts (2 of 4 stars). 2 submissions from 2 submitters: Uncertain significance (2). Last evaluated 2024-07-22.

Conditions:
Bethlem myopathy 1A. Also called: Bethlem myopathy 1; MYOPATHY, BENIGN CONGENITAL, WITH CONTRACTURES; Bethlem Muscular Dystrophy. Identifiers: Orphanet 610, MedGen CN029274, MONDO:0024530, OMIM 158810.

Submissions (2):

GeneDx
Classification: Uncertain significance. Last evaluated: 2024-07-22. Review status: criteria provided, single submitter. Criteria: GeneDx Variant Classification Process June 2021. Collection method: clinical testing. Allele origin: germline. Affected: yes.
Comment: Not observed at significant frequency in large population cohorts (gnomAD); In silico analysis supports that this missense variant has a deleterious effect on protein structure/function; Has not been previously published as pathogenic or benign to our knowledge

Labcorp Genetics (formerly Invitae), Labcorp
Classification: Uncertain significance for Bethlem myopathy 1A. Last evaluated: 2023-04-09. Review status: criteria provided, single submitter. Criteria: Invitae Variant Classification Sherloc (09022015). Collection method: clinical testing. Allele origin: germline.
Comment: In summary, the available evidence is currently insufficient to determine the role of this variant in disease. Therefore, it has been classified as a Variant of Uncertain Significance. Advanced modeling of protein sequence and biophysical properties (such as structural, functional, and spatial information, amino acid conservation, physicochemical variation, residue mobility, and thermodynamic stability) performed at Invitae indicates that this missense variant is not expected to disrupt COL6A3 protein function. This variant has not been reported in the literature in individuals affected with COL6A3-related conditions. This variant is not present in population databases (gnomAD no frequency). This sequence change replaces histidine, which is basic and polar, with arginine, which is basic and polar, at codon 129 of the COL6A3 protein (p.His129Arg).

NM_004369.4(COL6A3):c.386A>G (p.His129Arg)

Gene: COL6A3 (collagen type VI alpha 3 chain; minus strand). Cytogenetic location: 2q37.3.
Variant type: single nucleotide variant.
Coding change: c.386A>G on transcript NM_004369.4 (MANE Select); coding-DNA position 386, A replaced by G.
Protein change: p.His129Arg; replaces histidine 129 with arginine.
Molecular consequence: missense variant. On other transcripts: intron variant (4).
Genome position (GRCh38, 1-based): chr2:237,394,910, T>C on the plus strand (A>G on the coding strand, the complement: COL6A3 is on the minus strand). VCF-style: chr2-237394910-T-C. GRCh37 (hg19) VCF-style: chr2-238303553-T-C.
Other names: c.91+1817A>G (NM_057166.5, NM_057167.4, NM_057164.5 and 1 more transcripts); short protein forms H129R.
Identifiers: ClinVar variation 2818014 (VCV002818014.4), dbSNP rs2469973743, ClinGen allele CA351227230.